The following is an entry in ClinVar:

NM_138413.4(HOGA1):c.781C>A (p.Gln261Lys)

Gene: HOGA1 (4-hydroxy-2-oxoglutarate aldolase 1; plus strand). Cytogenetic location: 10q24.2.
Variant type: single nucleotide variant.
Coding change: c.781C>A on transcript NM_138413.4 (MANE Select); coding-DNA position 781, C replaced by A.
Protein change: p.Gln261Lys; replaces glutamine 261 with lysine.
Molecular consequence: missense variant.
Genome position (GRCh38, 1-based): chr10:97,601,937, C>A. VCF-style: chr10-97601937-C-A. GRCh37 (hg19) VCF-style: chr10-99361694-C-A.
Other names: c.292C>A, p.Gln98Lys (NM_001134670.2); short protein forms Q261K, Q98K.
Identifiers: ClinVar variation 3608974 (VCV003608974.2).

ClinVar aggregate classification (germline): Uncertain significance (1 of 4 stars; one submission).

gnomAD v4.1: 1 of 1,613,168 alleles (0.000062%); highest among the groups gnomAD compares: Non-Finnish European, 0.000085%; no homozygotes.

Submission:

Labcorp Genetics (formerly Invitae), Labcorp
Classification: Uncertain significance. Last evaluated: 2024-03-30. Review status: criteria provided, single submitter. Criteria: Invitae Variant Classification Sherloc (09022015). Collection method: clinical testing. Allele origin: germline.
Comment: This sequence change replaces glutamine, which is neutral and polar, with lysine, which is basic and polar, at codon 261 of the HOGA1 protein (p.Gln261Lys). This variant is not present in population databases (gnomAD no frequency). This variant has not been reported in the literature in individuals affected with HOGA1-related conditions. Advanced modeling of protein sequence and biophysical properties (such as structural, functional, and spatial information, amino acid conservation, physicochemical variation, residue mobility, and thermodynamic stability) performed at Invitae indicates that this missense variant is not expected to disrupt HOGA1 protein function with a negative predictive value of 95%. In summary, the available evidence is currently insufficient to determine the role of this variant in disease. Therefore, it has been classified as a Variant of Uncertain Significance.